The following is an entry in ClinVar:

ClinVar aggregate classification (germline): Uncertain significance (1 of 4 stars; one submission).

Conditions:
Hypertrophic cardiomyopathy 13. Also called: TNNC1-Related Familial Hypertrophic Cardiomyopathy. Identifiers: MedGen C2750472, MONDO:0013195, OMIM 613243.
Dilated cardiomyopathy 1Z (CMD1Z). Identifiers: Orphanet 154, MedGen C2678475, MONDO:0012745, OMIM 611879.

Submission:

Labcorp Genetics (formerly Invitae), Labcorp
Classification: Uncertain significance for Hypertrophic cardiomyopathy 13; Dilated cardiomyopathy 1Z. Last evaluated: 2022-09-21. Review status: criteria provided, single submitter. Criteria: Invitae Variant Classification Sherloc (09022015). Collection method: clinical testing. Allele origin: unknown.
Comment: In summary, the available evidence is currently insufficient to determine the role of this variant in disease. Therefore, it has been classified as a Variant of Uncertain Significance. This variant has not been reported in the literature in individuals affected with TNNC1-related conditions. A copy number gain of the genomic region encompassing the full coding sequence of the TNNC1 gene has been identified. The boundaries of this event are unknown as they extend beyond the assayed region for this gene and therefore may encompass additional genes. As the precise location of this event is unknown, it may be in tandem or it may be located elsewhere in the genome.

NC_000003.11:g.(?_52485291)_(52488031_?)dup

Gene: TNNC1 (troponin C1, slow skeletal and cardiac type; minus strand). Cytogenetic location: 3p21.1.
Variant type: Duplication.
Identifiers: ClinVar variation 3246907 (VCV003246907.1).